The following is an entry in ClinVar:

ClinVar aggregate classification (germline): Likely pathogenic (1 of 4 stars; one submission).

Conditions:
Fabry disease. Also called: ALPHA-GALACTOSIDASE A DEFICIENCY; ANDERSON-FABRY DISEASE; CERAMIDE TRIHEXOSIDASE DEFICIENCY; GLA DEFICIENCY; HEREDITARY DYSTOPIC LIPIDOSIS; Angiokeratoma corporis diffusum. Identifiers: Orphanet 324, MedGen C0002986, MONDO:0010526, OMIM 301500, HP:0001071. Disease mechanism: Fabry disease is due to inactivating mutations in the X-linked GLA gene resulting in deficiency of the enzyme Alpha Galactosidase-A., loss of function.

Submission:

Genomenon, Inc
Classification: Likely pathogenic for Fabry disease. Last evaluated: 2026-09-08. Review status: criteria provided, single submitter. Criteria: Genomenon Sequence Variant Interpretation Standards - Updated. Collection method: curation. Allele origin: germline. Affected: yes.
Comment: GLA p.Leu417Arg (c.1250T>G) is a missense variant that changes the amino acid at codon 417 from Leucine to Arginine. This variant has been observed in at least one proband with clinical features consistent with Fabry disease (PMID:33437642). The variant was found to segregate with disease in at least one affected family (PMID:33437642). At least one functional study has demonstrated a substantial alteration in protein function relative to the wild-type (PMID:27657681). It is absent or not present at a significant frequency in gnomAD. In conclusion, we classify GLA p.Leu417Arg (c.1250T>G) as a likely pathogenic variant.

Literature cited by the submitters: PubMed 33437642; PubMed 27657681.

NM_000169.3(GLA):c.1250T>G (p.Leu417Arg)

Genes: GLA (galactosidase alpha; minus strand), RPL36A-HNRNPH2 (RPL36A-HNRNPH2 readthrough; plus strand). Cytogenetic location: Xq22.1.
Variant type: single nucleotide variant.
Coding change: c.1250T>G on transcript NM_000169.3 (MANE Select); coding-DNA position 1250, T replaced by G.
Protein change: p.Leu417Arg; replaces leucine 417 with arginine.
Molecular consequence: missense variant. On other transcripts: non-coding transcript variant (3), intron variant (2).
Genome position (GRCh38, 1-based): chrX:101,397,849, A>C on the plus strand (T>G on the coding strand, the complement: GLA is on the minus strand). VCF-style: chrX-101397849-A-C. GRCh37 (hg19) VCF-style: chrX-100652837-A-C.
Other names: c.1373T>G, p.Leu458Arg (NM_001406747.1); c.300+2392A>C (NM_001199973.2); c.177+6027A>C (NM_001199974.2); short protein forms L417R, L458R.
Identifiers: ClinVar variation 4087674 (VCV004087674.2).